The following is an entry in ClinVar:

ClinVar aggregate classification (germline): Benign. Review status: criteria provided, multiple submitters, no conflicts (2 of 4 stars). 2 submissions from 2 submitters: Benign (2). Last evaluated 2018-06-14.

Allele frequency attached by ClinVar (database versions not stated): gnomAD exomes 0.25585; gnomAD 0.33159 and 0.33324; TOPMed 0.34539; 1000 Genomes Project 0.40575; 1000 Genomes Project 30x 0.41084.
gnomAD v4.1: 61,559 of 196,244 alleles (31%); highest among the groups gnomAD compares: African/African-American, 59%; 12,233 homozygotes.

Submissions (2):

GeneDx
Classification: Benign. Last evaluated: 2018-06-14. Review status: criteria provided, single submitter. Criteria: GeneDx Variant Classification (06012015). Collection method: clinical testing. Allele origin: germline. Affected: yes.
Comment: This variant is considered likely benign or benign based on one or more of the following criteria: it is a conservative change, it occurs at a poorly conserved position in the protein, it is predicted to be benign by multiple in silico algorithms, and/or has population frequency not consistent with disease.

Breakthrough Genomics
Classification: Benign. Review status: criteria provided, single submitter. Criteria: ACMG Guidelines, 2015. Collection method: not provided. Allele origin: germline. Inheritance: Autosomal recessive inheritance. Affected: yes.

NM_024678.6(NARS2):c.1165-282A>G

Gene: NARS2 (asparaginyl-tRNA synthetase 2, mitochondrial; minus strand). Cytogenetic location: 11q14.1.
Variant type: single nucleotide variant.
Coding change: c.1165-282A>G on transcript NM_024678.6 (MANE Select); 282 bases into the intron before coding-DNA position 1165, A replaced by G.
Molecular consequence: intron variant.
Genome position (GRCh38, 1-based): chr11:78,444,040, T>C on the plus strand (A>G on the coding strand, the complement: NARS2 is on the minus strand). VCF-style: chr11-78444040-T-C. GRCh37 (hg19) VCF-style: chr11-78155086-T-C.
Other names: c.484-282A>G (NM_001243251.2).
Identifiers: ClinVar variation 682661 (VCV000682661.2), dbSNP rs7124092, ClinGen allele CA225097291.